The following is an entry in ClinVar:

NM_005585.5(SMAD6):c.505G>T (p.Glu169Ter)

Gene: SMAD6 (SMAD family member 6; plus strand). Cytogenetic location: 15q22.31.
Variant type: single nucleotide variant.
Coding change: c.505G>T on transcript NM_005585.5 (MANE Select); coding-DNA position 505, G replaced by T.
Protein change: p.Glu169Ter; replaces glutamic acid 169 with a stop codon.
Molecular consequence: nonsense. On other transcripts: non-coding transcript variant (1).
Genome position (GRCh38, 1-based): chr15:66,703,763, G>T. VCF-style: chr15-66703763-G-T. GRCh37 (hg19) VCF-style: chr15-66996101-G-T.
Other names: short protein forms E169*.
Identifiers: ClinVar variation 2898961 (VCV002898961.3), dbSNP rs2545312001, ClinGen allele CA392949679.
Genomic context (GRCh38, chr15:66,703,763, plus strand): 5'-GCCCTGGAGCCGGCGGGCGGCGGGCGGAGTCGCGAAGCGCGCTCGCGGCTGCTGCTGCTG[G>T]AGCAGGAACTCAAAACCGTCACGTACTCGCTGCTGAAGCGGCTCAAGGAGCGCTCGCTGG-3'

ClinVar aggregate classification (germline): Uncertain significance (1 of 4 stars; one submission).

Conditions:
Aortic valve disease 2 (AOVD2). Identifiers: MedGen C3542024, MONDO:0013902, OMIM 614823.

gnomAD v4.1: 1 of 1,416,468 alleles (0.000071%); highest among the groups gnomAD compares: South Asian, 0.0014%; no homozygotes.

Submission:

Labcorp Genetics (formerly Invitae), Labcorp
Classification: Uncertain significance for Aortic valve disease 2. Last evaluated: 2023-12-09. Review status: criteria provided, single submitter. Criteria: Invitae Variant Classification Sherloc (09022015). Collection method: clinical testing. Allele origin: germline.
Comment: This sequence change creates a premature translational stop signal (p.Glu169*) in the SMAD6 gene. It is expected to result in an absent or disrupted protein product. However, the current clinical and genetic evidence is not sufficient to establish whether loss-of-function variants in SMAD6 cause disease. This variant is not present in population databases (gnomAD no frequency). This variant has not been reported in the literature in individuals affected with SMAD6-related conditions. In summary, the available evidence is currently insufficient to determine the role of this variant in disease. Therefore, it has been classified as a Variant of Uncertain Significance.